The following is an entry in ClinVar:

NM_001111.5(ADAR):c.1009A>G (p.Met337Val)

Gene: ADAR (adenosine deaminase RNA specific; minus strand). Cytogenetic location: 1q21.3.
Variant type: single nucleotide variant.
Coding change: c.1009A>G on transcript NM_001111.5 (MANE Select); coding-DNA position 1009, A replaced by G.
Protein change: p.Met337Val; replaces methionine 337 with valine.
Molecular consequence: missense variant.
Genome position (GRCh38, 1-based): chr1:154,601,633, T>C on the plus strand (A>G on the coding strand, the complement: ADAR is on the minus strand). VCF-style: chr1-154601633-T-C. GRCh37 (hg19) VCF-style: chr1-154574109-T-C.
Other names: c.124A>G, p.Met42Val (NM_001025107.3, NM_001193495.2, NM_001365046.1 and 3 more transcripts); c.1036A>G, p.Met346Val (NM_001365045.1); c.1009A>G, p.Met337Val (NM_015840.4, NM_015841.4); short protein forms M337V, M42V, M346V.
Identifiers: ClinVar variation 2933246 (VCV002933246.3), dbSNP rs1467960095, ClinGen allele CA342598886.

ClinVar aggregate classification (germline): Uncertain significance (1 of 4 stars; one submission).

Conditions:
Symmetrical dyschromatosis of extremities (DSH). Also called: DYSCHROMATOSIS SYMMETRICA HEREDITARIA 1; RETICULATE ACROPIGMENTATION OF DOHI; SYMMETRIC DYSCHROMATOSIS OF THE EXTREMITIES; Dyschromatosis symmetrica hereditaria. Identifiers: Orphanet 41, MedGen C0406775, MONDO:0007483, OMIM 127400.
Aicardi-Goutieres syndrome 6 (AGS6). Identifiers: Orphanet 51, MedGen C3539013, MONDO:0014007, OMIM 615010.

Allele frequency attached by ClinVar (database versions not stated): gnomAD exomes below 0.00001.
gnomAD v4.1: 2 of 1,613,830 alleles (0.00012%); highest among the groups gnomAD compares: Admixed American, 0.0017%; no homozygotes.

Submission:

Labcorp Genetics (formerly Invitae), Labcorp
Classification: Uncertain significance for Aicardi-Goutieres syndrome 6; Symmetrical dyschromatosis of extremities. Last evaluated: 2024-07-17. Review status: criteria provided, single submitter. Criteria: Invitae Variant Classification Sherloc (09022015). Collection method: clinical testing. Allele origin: germline.
Comment: This sequence change replaces methionine, which is neutral and non-polar, with valine, which is neutral and non-polar, at codon 337 of the ADAR protein (p.Met337Val). This variant is present in population databases (no rsID available, gnomAD 0.003%). This variant has not been reported in the literature in individuals affected with ADAR-related conditions. Advanced modeling of protein sequence and biophysical properties (such as structural, functional, and spatial information, amino acid conservation, physicochemical variation, residue mobility, and thermodynamic stability) performed at Invitae indicates that this missense variant is not expected to disrupt ADAR protein function with a negative predictive value of 80%. In summary, the available evidence is currently insufficient to determine the role of this variant in disease. Therefore, it has been classified as a Variant of Uncertain Significance.